The following is an entry in ClinVar:

ClinVar aggregate classification (germline): Likely benign. Review status: criteria provided, multiple submitters, no conflicts (2 of 4 stars). 3 submissions from 3 submitters: Likely benign (3). Last evaluated 2023-02-01.

Allele frequency attached by ClinVar (database versions not stated): 1000 Genomes Project 0.00120; 1000 Genomes Project 30x 0.00156; TOPMed 0.00337; gnomAD 0.00340 and 0.00347; gnomAD exomes 0.00363; ExAC 0.00386; ESP Exome Variant Server 0.00426.
gnomAD v4.1: 8,884 of 1,613,400 alleles (0.55%); highest among the groups gnomAD compares: Non-Finnish European, 0.68%; 40 homozygotes.

Submissions (3):

CeGaT Center for Human Genetics Tuebingen
Classification: Likely benign. Last evaluated: 2023-02-01. Review status: criteria provided, single submitter. Criteria: CeGaT Center For Human Genetics Tuebingen Variant Classification Criteria Version 2. Collection method: clinical testing. Allele origin: germline. Affected: yes. Observed: 1 variant allele.
Comment: WASF3: BS2

Labcorp Genetics (formerly Invitae), Labcorp
Classification: Likely benign. Last evaluated: 2019-12-31. Review status: criteria provided, single submitter. Criteria: Invitae Variant Classification Sherloc (09022015). Collection method: clinical testing. Allele origin: germline.

Breakthrough Genomics
Classification: Likely benign. Review status: criteria provided, single submitter. Criteria: ACMG Guidelines, 2015. Collection method: not provided. Allele origin: germline. Inheritance: Unknown mechanism. Affected: yes.

NM_006646.6(WASF3):c.928C>G (p.Pro310Ala)

Gene: WASF3 (WASP family member 3; plus strand). Cytogenetic location: 13q12.13.
Variant type: single nucleotide variant.
Coding change: c.928C>G on transcript NM_006646.6 (MANE Select); coding-DNA position 928, C replaced by G.
Protein change: p.Pro310Ala; replaces proline 310 with alanine.
Molecular consequence: missense variant.
Genome position (GRCh38, 1-based): chr13:26,681,265, C>G. VCF-style: chr13-26681265-C-G. GRCh37 (hg19) VCF-style: chr13-27255402-C-G.
Other names: c.919C>G, p.Pro307Ala (NM_001291965.1); short protein forms P307A, P310A.
Identifiers: ClinVar variation 776903 (VCV000776903.29), dbSNP rs151322145, ClinGen allele CA6924998.